The following is an entry in ClinVar:

NC_000007.13:g.(?_20994491)_(23030730_?)del

Genes: CDCA7L (cell division cycle associated 7 like; minus strand), DNAH11 (dynein axonemal heavy chain 11; plus strand), HYCC1 (hyccin PI4KA lipid kinase complex subunit 1; minus strand), IL6 (interleukin 6; plus strand), IL6-AS1 (IL6 antisense RNA 1; minus strand) and 4 more. Cytogenetic location: 7p15.3.
Variant type: Deletion.
Identifiers: ClinVar variation 2424085 (VCV002424085.12).

ClinVar aggregate classification (germline): Pathogenic. Review status: criteria provided, single submitter (1 of 4 stars). 2 submissions from 1 submitter: Pathogenic (2). Last evaluated 2022-06-27.

Conditions:
Hypomyelination and Congenital Cataract (HLD5). Also called: hypomyelinating leukodystrophy 5. Identifiers: Orphanet 85163, MedGen C1864663, MONDO:0012514, OMIM 610532.
Primary ciliary dyskinesia. Also called: Ciliary dyskinesia. Identifiers: Orphanet 244, MedGen C0008780, MONDO:0016575, HP:0012265.

Submissions (2):

Labcorp Genetics (formerly Invitae), Labcorp
Classification: Pathogenic for Primary ciliary dyskinesia. Last evaluated: 2022-06-27. Review status: criteria provided, single submitter. Criteria: Invitae Variant Classification Sherloc (09022015). Collection method: clinical testing. Allele origin: germline.
Comment: A gross deletion of the genomic region encompassing the full coding sequence of the DNAH11 gene has been identified. Loss-of-function variants in DNAH11 are known to be pathogenic (PMID: 18022865, 20513915, 22184204). The boundaries of this event are unknown as they extend beyond the assayed region for this gene and therefore may encompass additional genes. This variant has not been reported in the literature in individuals affected with DNAH11-related conditions. For these reasons, this variant has been classified as Pathogenic.

Labcorp Genetics (formerly Invitae), Labcorp
Classification: Pathogenic for Hypomyelination and Congenital Cataract. Last evaluated: 2022-06-27. Review status: criteria provided, single submitter. Criteria: Invitae Variant Classification Sherloc (09022015). Collection method: clinical testing. Allele origin: germline.
Comment: For these reasons, this variant has been classified as Pathogenic. This variant has not been reported in the literature in individuals affected with FAM126A-related conditions. A gross deletion of the genomic region encompassing the full coding sequence of the FAM126A gene has been identified. Loss-of-function variants in FAM126A are known to be pathogenic (PMID: 21911699, 22749724, 23998934). The boundaries of this event are unknown as they extend beyond the assayed region for this gene and therefore may encompass additional genes.

Literature cited by the submitters: PubMed 18022865; PubMed 20513915; PubMed 22184204; PubMed 21911699; PubMed 22749724; PubMed 23998934.